The following is an entry in ClinVar:

NM_024422.6(DSC2):c.2276A>C (p.Gln759Pro)

Gene: DSC2 (desmocollin 2; minus strand). Cytogenetic location: 18q12.1.
Variant type: single nucleotide variant.
Coding change: c.2276A>C on transcript NM_024422.6 (MANE Select); coding-DNA position 2276, A replaced by C.
Protein change: p.Gln759Pro; replaces glutamine 759 with proline.
Molecular consequence: missense variant.
Genome position (GRCh38, 1-based): chr18:31,069,126, T>G on the plus strand (A>C on the coding strand, the complement: DSC2 is on the minus strand). VCF-style: chr18-31069126-T-G. GRCh37 (hg19) VCF-style: chr18-28649092-T-G.
Other names: c.1847A>C, p.Gln616Pro (NM_001406506.1, NM_001406507.1); c.2276A>C, p.Gln759Pro (NM_004949.5); short protein forms Q616P, Q759P.
Identifiers: ClinVar variation 1788858 (VCV001788858.7), dbSNP rs765539764, ClinGen allele CA297686536.

ClinVar aggregate classification (germline): Uncertain significance. Review status: criteria provided, multiple submitters, no conflicts (2 of 4 stars). 3 submissions from 3 submitters: Uncertain significance (3). Last evaluated 2024-05-30.

Conditions:
Cardiovascular phenotype. Identifiers: MedGen CN230736.
Familial isolated arrhythmogenic right ventricular dysplasia. Identifiers: Orphanet 217656, MedGen C4274968, MONDO:0016342.
Arrhythmogenic right ventricular dysplasia 11. Also called: Arrhythmogenic Right Ventricular Dysplasia/Cardiomyopathy11; ARRHYTHMOGENIC RIGHT VENTRICULAR DYSPLASIA, FAMILIAL, 11; Arrhythmogenic right ventricular dysplasia 11 with mild palmoplantar keratoderma and woolly hair. Identifiers: MedGen C1864850, MONDO:0012506, OMIM 610476.

Allele frequency attached by ClinVar (database versions not stated): TOPMed 0.00001; gnomAD 0.00001.
gnomAD v4.1: 6 of 1,614,022 alleles (0.00037%); highest among the groups gnomAD compares: African/African-American, 0.0067%; no homozygotes.

Submissions (3):

All of Us Research Program, National Institutes of Health
Classification: Uncertain significance for Familial isolated arrhythmogenic right ventricular dysplasia. Last evaluated: 2024-05-30. Review status: criteria provided, single submitter. Criteria: ACMG Guidelines, 2015. Collection method: clinical testing. Allele origin: germline. Inheritance: Autosomal dominant inheritance. Observed: 2 variant alleles, 2 heterozygotes.
Comment: This missense variant replaces glutamine with proline at codon 759 of the DSC2 protein. Computational prediction suggests that this variant may not impact protein structure and function (internally defined REVEL score threshold <= 0.5, PMID: 27666373). To our knowledge, functional studies have not been reported for this variant. This variant has not been reported in individuals affected with DSC2-related disorders in the literature. This variant has not been identified in the general population by the Genome Aggregation Database (gnomAD). The available evidence is insufficient to determine the role of this variant in disease conclusively. Therefore, this variant is classified as a Variant of Uncertain Significance.

This study involves interpretation of variants in research participants for the purpose of population health screening. Participant phenotype was not available at the time of variant classification. Additional details can be found in publication PMID: 35346344, PMCID: PMC8962531

Labcorp Genetics (formerly Invitae), Labcorp
Classification: Uncertain significance for Arrhythmogenic right ventricular dysplasia 11. Last evaluated: 2023-02-20. Review status: criteria provided, single submitter. Criteria: Invitae Variant Classification Sherloc (09022015). Collection method: clinical testing. Allele origin: germline.
Comment: In summary, the available evidence is currently insufficient to determine the role of this variant in disease. Therefore, it has been classified as a Variant of Uncertain Significance. Advanced modeling of protein sequence and biophysical properties (such as structural, functional, and spatial information, amino acid conservation, physicochemical variation, residue mobility, and thermodynamic stability) performed at Invitae indicates that this missense variant is not expected to disrupt DSC2 protein function. ClinVar contains an entry for this variant (Variation ID: 1788858). This variant has not been reported in the literature in individuals affected with DSC2-related conditions. This variant is not present in population databases (gnomAD no frequency). This sequence change replaces glutamine, which is neutral and polar, with proline, which is neutral and non-polar, at codon 759 of the DSC2 protein (p.Gln759Pro).

Ambry Genetics
Classification: Uncertain significance for Cardiovascular phenotype. Last evaluated: 2020-10-26. Review status: criteria provided, single submitter. Criteria: Ambry Variant Classification Scheme 2023. Collection method: clinical testing. Allele origin: germline.
Comment: The p.Q759P variant (also known as c.2276A>C), located in coding exon 15 of the DSC2 gene, results from an A to C substitution at nucleotide position 2276. The glutamine at codon 759 is replaced by proline, an amino acid with similar properties. This amino acid position is poorly conserved in available vertebrate species. In addition, this alteration is predicted to be tolerated by in silico analysis. Since supporting evidence is limited at this time, the clinical significance of this alteration remains unclear.